The following is an entry in ClinVar:

NM_000493.4(COL10A1):c.1637T>A (p.Val546Glu)

Genes: COL10A1 (collagen type X alpha 1 chain; minus strand), NT5DC1 (5'-nucleotidase domain containing 1; plus strand). Cytogenetic location: 6q22.1.
Variant type: single nucleotide variant.
Coding change: c.1637T>A on transcript NM_000493.4 (MANE Select); coding-DNA position 1637, T replaced by A.
Protein change: p.Val546Glu; replaces valine 546 with glutamic acid.
Molecular consequence: missense variant. On other transcripts: intron variant (1).
Genome position (GRCh38, 1-based): chr6:116,120,479, A>T on the plus strand (T>A on the coding strand, the complement: COL10A1 is on the minus strand). VCF-style: chr6-116120479-A-T. GRCh37 (hg19) VCF-style: chr6-116441642-A-T.
Other names: c.1637T>A, p.Val546Glu (NM_001424106.1, NM_001424107.1); c.529+2534A>T (NM_152729.3); short protein forms V546E.
Identifiers: ClinVar variation 1699391 (VCV001699391.3), dbSNP rs2114279867, ClinGen allele CA365387394.

ClinVar aggregate classification (germline): Uncertain significance (1 of 4 stars; one submission).

Conditions:
Metaphyseal chondrodysplasia, Schmid type (MCDS). Also called: SPONDYLOMETAPHYSEAL DYSPLASIA, JAPANESE TYPE. Identifiers: Orphanet 174, MedGen C0265289, MONDO:0007983, OMIM 156500.

Allele frequency attached by ClinVar (database versions not stated): gnomAD exomes below 0.00001.
gnomAD v4.1: 7 of 1,614,154 alleles (0.00043%); highest among the groups gnomAD compares: Non-Finnish European, 0.00059%; no homozygotes.

Submission:

Victorian Clinical Genetics Services, Murdoch Childrens Research Institute
Classification: Uncertain significance for Metaphyseal chondrodysplasia, Schmid type. Last evaluated: 2022-02-02. Review status: criteria provided, single submitter. Criteria: ACMG Guidelines, 2015. Collection method: clinical testing. Allele origin: germline. Inheritance: Autosomal dominant inheritance.
Comment: Based on the classification scheme VCGS_Germline_v1.3.4, this variant is classified as VUS-3B. Following criteria are met: 0103 - Dominant negative and loss of function have been suggested as mechanisms of disease in this gene and are associated with metaphyseal chondrodysplasia, Schmid type (MIM#156500) (OMIM, GeneReviews, PMID: 15880705). (I) 0107 - This gene is associated with autosomal dominant disease. (I) 0200 - Variant is predicted to result in a missense amino acid change from valine to glutamic acid. (I) 0251 - This variant is heterozygous. (I) 0301 - Variant is absent from gnomAD (both v2 and v3). (SP) 0309 - An alternative amino acid change at the same position has been observed in gnomAD (v2) (p.(Val546Ile): 1 heterozygote, 0 homozygotes). (I) 0502 - Missense variant with conflicting in silico predictions and uninformative conservation. (I) 0604 - Variant is not located in an established domain, motif, hotspot or informative constraint region. (I) 0705 - No comparable missense variants have previous evidence for pathogenicity. (I) 0807 - This variant has no previous evidence of pathogenicity. (I) 0905 - No published segregation evidence has been identified for this variant. (I) 1007 - No published functional evidence has been identified for this variant. (I) 1208 - Inheritance information for this variant is not currently available in this individual. (I) Legend: (SP) - Supporting pathogenic, (I) - Information, (SB) - Supporting benign

Literature cited by the submitters: PubMed 15880705.